The following is an entry in ClinVar:

ClinVar aggregate classification (germline): Conflicting classifications of pathogenicity. Review status: criteria provided, conflicting classifications (1 of 4 stars). 6 submissions from 6 submitters: Uncertain significance (1); Likely benign (3). 2 of the submissions do not count toward it. Last evaluated 2026-05-01.

Conditions:
Androgen resistance syndrome (AIS). Also called: DHTR DEFICIENCY; ANDROGEN RECEPTOR DEFICIENCY; DIHYDROTESTOSTERONE RECEPTOR DEFICIENCY; Androgen insensitivity syndrome due to coactivator deficiency; Androgen insensitivity syndrome; Androgen insensitivity, complete. Identifiers: Orphanet 754, Orphanet 99429, MedGen C0039585, MONDO:0019154, OMIM 300068. Disease mechanism: loss of function.
CDC45-related disorder. Also called: CDC45-related condition.

Allele frequency attached by ClinVar (database versions not stated): ExAC 0.00139; gnomAD exomes 0.00153 and 0.00221; 1000 Genomes Project 30x 0.00172; 1000 Genomes Project 0.00180; ESP Exome Variant Server 0.00185; gnomAD 0.00202; TOPMed 0.00215.
gnomAD v4.1: 3,494 of 1,614,190 alleles (0.22%); highest among the groups gnomAD compares: Admixed American, 0.3%; 10 homozygotes.

Submissions (6):

GeneDx
Classification: Uncertain significance. Last evaluated: 2026-05-01. Review status: criteria provided, single submitter. Criteria: GeneDx Variant Classification Process June 2021. Collection method: clinical testing. Allele origin: germline.
Comment: Identified as a heterozygous and homozygous variant in Finnish patients with type 2 diabetes and in controls in published literature (PMID: 25439097); In silico analysis supports that this missense variant has a deleterious effect on protein structure/function; In silico analysis is inconclusive as to whether the variant alters gene splicing. In the absence of RNA/functional studies, the actual effect of this sequence change is unknown; This variant is associated with the following publications: (PMID: 31474763, 37421219, 25439097)

Labcorp Genetics (formerly Invitae), Labcorp
Classification: Likely benign. Last evaluated: 2026-01-06. Review status: criteria provided, single submitter. Criteria: Invitae Variant Classification Sherloc (09022015). Collection method: clinical testing. Allele origin: germline.

CeGaT Center for Human Genetics Tuebingen
Classification: Likely benign. Last evaluated: 2025-10-01. Review status: criteria provided, single submitter. Criteria: CeGaT Center For Human Genetics Tuebingen Variant Classification Criteria Version 2. Collection method: clinical testing. Allele origin: germline. Affected: yes. Observed: 1 variant allele.
Comment: CDC45: BP4, BS1:Supporting

Blueprint Genetics
Classification: Likely benign. Last evaluated: 2024-11-27. Review status: criteria provided, single submitter. Criteria: ACMG Guidelines, 2015. Collection method: clinical testing. Allele origin: germline.

PreventionGenetics, part of Exact Sciences
Classification: Likely benign for CDC45-related condition. Last evaluated: 2023-01-17. Review status: no assertion criteria provided. Collection method: clinical testing. Allele origin: germline. Not counted in ClinVar's aggregate classification.
Comment: This variant is classified as likely benign based on ACMG/AMP sequence variant interpretation guidelines (Richards et al. 2015 PMID: 25741868, with internal and published modifications).

Seattle Children's Hospital Molecular Genetics Laboratory, Seattle Children's Hospital
Classification: Uncertain significance for Androgen resistance syndrome. Review status: no assertion criteria provided. Collection method: clinical testing. Allele origin: germline. Affected: yes. Not counted in ClinVar's aggregate classification.

NM_003504.5(CDC45):c.1357G>A (p.Gly453Ser)

Gene: CDC45 (cell division cycle 45; plus strand). Cytogenetic location: 22q11.21.
Variant type: single nucleotide variant.
Coding change: c.1357G>A on transcript NM_003504.5 (MANE Select); coding-DNA position 1357, G replaced by A.
Protein change: p.Gly453Ser; replaces glycine 453 with serine.
Molecular consequence: missense variant.
Genome position (GRCh38, 1-based): chr22:19,514,965, G>A. VCF-style: chr22-19514965-G-A. GRCh37 (hg19) VCF-style: chr22-19502488-G-A.
Other names: c.1453G>A, p.Gly485Ser (NM_001178010.2); c.1219G>A, p.Gly407Ser (NM_001178011.2); c.1321G>A, p.Gly441Ser (NM_001369291.1); short protein forms G407S, G441S, G453S, G485S.
Identifiers: ClinVar variation 1344508 (VCV001344508.21), dbSNP rs148062883, ClinGen allele CA10101423.
Genomic context (GRCh38, chr22:19,514,965, plus strand): 5'-GCACAGGCGCCTGGTCACAGCACCAGTGGCTTCGTCTGACCATCTGTCTCGCCTCCGCAG[G>A]GCACTCCAGATGTCATGCTGTTCTCTAGGCCGGCATCCCTAAGCCTGCTCAGCAAACACC-3'
Protein context (NP_003495.1, residues 443-463): GPFLYCSLME[Gly453Ser]TPDVMLFSRP